The following is an entry in ClinVar:

ClinVar aggregate classification (germline): Pathogenic. Review status: criteria provided, multiple submitters, no conflicts (2 of 4 stars). 2 submissions from 2 submitters: Pathogenic (2). Last evaluated 2025-12-21.

Conditions:
Myofibrillar myopathy 5. Also called: FILAMINOPATHY, AUTOSOMAL DOMINANT; Filaminopathy (type). Identifiers: Orphanet 171445, MedGen C1836050, MONDO:0012289, OMIM 609524.
Hypertrophic cardiomyopathy 26. Also called: Cardiomyopathy, familial hypertrophic, 26. Identifiers: Orphanet 75249, MedGen C4310749, MONDO:0014883, OMIM 617047.
Distal myopathy with posterior leg and anterior hand involvement. Also called: WILLIAMS DISTAL MYOPATHY. Identifiers: Orphanet 63273, MedGen C3279722, MONDO:0013550, OMIM 614065.
Cardiomyopathy (CMYO). Also called: Cardiomyopathies. Identifiers: Orphanet 167848, MedGen C0878544, MONDO:0004994, HP:0001638. Inheritance: Various modes of inheritance.

Submissions (2):

Labcorp Genetics (formerly Invitae), Labcorp
Classification: Pathogenic for Distal myopathy with posterior leg and anterior hand involvement; Myofibrillar myopathy 5; Hypertrophic cardiomyopathy 26. Last evaluated: 2025-12-21. Review status: criteria provided, single submitter. Criteria: Invitae Variant Classification Sherloc (09022015). Collection method: clinical testing. Allele origin: germline.
Comment: This sequence change creates a premature translational stop signal (p.Glu2472*) in the FLNC gene. It is expected to result in an absent or disrupted protein product. Loss-of-function variants in FLNC are known to be pathogenic (PMID: 27908349). This variant is not present in population databases (gnomAD no frequency). This variant has not been reported in the literature in individuals affected with FLNC-related conditions. ClinVar contains an entry for this variant (Variation ID: 1434865). Algorithms developed to predict the effect of sequence changes on RNA splicing suggest that this variant may create or strengthen a splice site. For these reasons, this variant has been classified as Pathogenic.

Women's Health and Genetics/Laboratory Corporation of America, LabCorp
Classification: Pathogenic for Cardiomyopathy. Last evaluated: 2025-11-17. Review status: criteria provided, single submitter. Criteria: LabCorp Variant Classification Summary - May 2015. Collection method: clinical testing. Allele origin: germline.
Comment: Variant summary: FLNC c.7414G>T (p.Glu2472X) results in a premature termination codon, predicted to cause a truncation of the encoded protein or absence of the protein due to nonsense mediated decay, which are commonly known mechanisms for disease. The variant was absent in 249832 control chromosomes. To our knowledge, no occurrence of c.7414G>T in individuals affected with FLNC-related conditions and no experimental evidence demonstrating its impact on protein function have been reported. ClinVar contains an entry for this variant (Variation ID: 1434865). Based on the evidence outlined above, the variant was classified as pathogenic.

Literature cited by the submitters: PubMed 27908349 (cited by Labcorp Genetics (formerly Invitae), Labcorp).

NM_001458.5(FLNC):c.7414G>T (p.Glu2472Ter)

Genes: FLNC (filamin C; plus strand), FLNC-AS1 (FLNC antisense RNA 1; minus strand). Cytogenetic location: 7q32.1.
Variant type: single nucleotide variant.
Coding change: c.7414G>T on transcript NM_001458.5 (MANE Select); coding-DNA position 7414, G replaced by T.
Protein change: p.Glu2472Ter; replaces glutamic acid 2472 with a stop codon.
Molecular consequence: nonsense.
Genome position (GRCh38, 1-based): chr7:128,856,774, G>T. VCF-style: chr7-128856774-G-T. GRCh37 (hg19) VCF-style: chr7-128496828-G-T.
Other names: c.7315G>T, p.Glu2439Ter (NM_001127487.2); short protein forms E2439*, E2472*.
Identifiers: ClinVar variation 1434865 (VCV001434865.7), dbSNP rs948675422, ClinGen allele CA369217279.